The following is an entry in ClinVar:

ClinVar aggregate classification (germline): Uncertain significance. Review status: criteria provided, single submitter (1 of 4 stars). 2 submissions from 2 submitters: Uncertain significance (1). 1 of the submissions does not count toward it. Last evaluated 2021-08-30.

Conditions:
Retinitis pigmentosa 26 (RP26). Identifiers: Orphanet 791, MedGen C1842127, MONDO:0012024, OMIM 608380.

Allele frequency attached by ClinVar (database versions not stated): TOPMed below 0.00001.
gnomAD v4.1: 1 of 1,585,766 alleles (0.000063%); highest among the groups gnomAD compares: Admixed American, 0.0017%; no homozygotes.

Submissions (2):

Labcorp Genetics (formerly Invitae), Labcorp
Classification: Uncertain significance. Last evaluated: 2021-08-30. Review status: criteria provided, single submitter. Criteria: Invitae Variant Classification Sherloc (09022015). Collection method: clinical testing. Allele origin: germline.
Comment: This sequence change replaces glutamic acid with aspartic acid at codon 19 of the CERKL protein (p.Glu19Asp). The glutamic acid residue is weakly conserved and there is a small physicochemical difference between glutamic acid and aspartic acid. This variant is not present in population databases (ExAC no frequency). This variant has not been reported in the literature in individuals affected with CERKL-related conditions. Algorithms developed to predict the effect of missense changes on protein structure and function output the following: SIFT: "Tolerated"; PolyPhen-2: "Benign"; Align-GVGD: "Class C0". The aspartic acid amino acid residue is found in multiple mammalian species, which suggests that this missense change does not adversely affect protein function. In summary, the available evidence is currently insufficient to determine the role of this variant in disease. Therefore, it has been classified as a Variant of Uncertain Significance.

Natera, Inc.
Classification: Uncertain significance for Retinitis Pigmentosa 26. Last evaluated: 2020-06-13. Review status: no assertion criteria provided. Collection method: clinical testing. Allele origin: germline. Not counted in ClinVar's aggregate classification.

NM_201548.5(CERKL):c.57A>C (p.Glu19Asp)

Gene: CERKL (CERK like autophagy regulator; minus strand). Cytogenetic location: 2q31.3.
Variant type: single nucleotide variant.
Coding change: c.57A>C on transcript NM_201548.5 (MANE Select); coding-DNA position 57, A replaced by C.
Protein change: p.Glu19Asp; replaces glutamic acid 19 with aspartic acid.
Molecular consequence: missense variant. On other transcripts: non-coding transcript variant (2).
Genome position (GRCh38, 1-based): chr2:181,656,950, T>G on the plus strand (A>C on the coding strand, the complement: CERKL is on the minus strand). VCF-style: chr2-181656950-T-G. GRCh37 (hg19) VCF-style: chr2-182521677-T-G.
Other names: c.57A>C, p.Glu19Asp (NM_001030311.3, NM_001030312.3, NM_001030313.3 and 1 more transcripts); short protein forms E19D.
Identifiers: ClinVar variation 951607 (VCV000951607.7), dbSNP rs1688202555, ClinGen allele CA349745181.